The following is an entry in ClinVar:

ClinVar aggregate classification (germline): Uncertain significance. Review status: criteria provided, multiple submitters, no conflicts (2 of 4 stars). 2 submissions from 2 submitters: Uncertain significance (2). Last evaluated 2026-07-19.

Conditions:
T-cell immunodeficiency, congenital alopecia, and nail dystrophy. Also called: Congenital alopecia and nail dystrophy associated with severe functional T-cell immunodeficiency; Pignata Guarino syndrome. Identifiers: Orphanet 169095, MedGen C1866426, MONDO:0011132, OMIM 601705.
Inborn genetic diseases. Identifiers: MedGen C0950123, MeSH D030342.

Allele frequency attached by ClinVar (database versions not stated): gnomAD exomes below 0.00001.
gnomAD v4.1: 2 of 1,614,104 alleles (0.00012%); highest among the groups gnomAD compares: Non-Finnish European, 0.00017%; no homozygotes.

Submissions (2):

Ambry Genetics
Classification: Uncertain significance for Inborn genetic diseases. Last evaluated: 2026-07-19. Review status: criteria provided, single submitter. Criteria: Ambry Variant Classification Scheme 2023. Collection method: clinical testing. Allele origin: germline.

Labcorp Genetics (formerly Invitae), Labcorp
Classification: Uncertain significance for T-cell immunodeficiency, congenital alopecia, and nail dystrophy. Last evaluated: 2026-01-06. Review status: criteria provided, single submitter. Criteria: Invitae Variant Classification Sherloc (09022015). Collection method: clinical testing. Allele origin: germline.
Comment: This sequence change replaces tyrosine, which is neutral and polar, with histidine, which is basic and polar, at codon 451 of the FOXN1 protein (p.Tyr451His). This variant is not present in population databases (gnomAD no frequency). This variant has not been reported in the literature in individuals affected with FOXN1-related conditions. ClinVar contains an entry for this variant (Variation ID: 937113). Invitae Evidence Modeling of protein sequence and biophysical properties (such as structural, functional, and spatial information, amino acid conservation, physicochemical variation, residue mobility, and thermodynamic stability) indicates that this missense variant is not expected to disrupt FOXN1 protein function with a negative predictive value of 80%. In summary, the available evidence is currently insufficient to determine the role of this variant in disease. Therefore, it has been classified as a Variant of Uncertain Significance.

NM_001369369.1(FOXN1):c.1351T>C (p.Tyr451His)

Gene: FOXN1 (forkhead box N1; plus strand). Cytogenetic location: 17q11.2.
Variant type: single nucleotide variant.
Coding change: c.1351T>C on transcript NM_001369369.1 (MANE Select); coding-DNA position 1351, T replaced by C.
Protein change: p.Tyr451His; replaces tyrosine 451 with histidine.
Molecular consequence: missense variant.
Genome position (GRCh38, 1-based): chr17:28,534,922, T>C. VCF-style: chr17-28534922-T-C. GRCh37 (hg19) VCF-style: chr17-26861940-T-C.
Other names: c.1351T>C, p.Tyr451His (NM_003593.3); short protein forms Y451H.
Identifiers: ClinVar variation 937113 (VCV000937113.8), dbSNP rs2070017819, ClinGen allele CA398326097.
Genomic context (GRCh38, chr17:28,534,922, plus strand): 5'-GGCCCCATTCCTGGCAAGAACCCCCTGCAGGACCTACTTATGGGGCACACACCCTCCTGC[T>C]ATGGGCAGACATACTTGCACCTCTCACCAGGCCTGGCCCCTCCTGGACCCCCGCAGCCAT-3'
Protein context (NP_001356298.1, residues 441-461): DLLMGHTPSC[Tyr451His]GQTYLHLSPG